The following is an entry in ClinVar:

ClinVar aggregate classification (germline): Uncertain significance (1 of 4 stars; one submission).

Conditions:
Fanconi anemia (FA). Also called: Fanconi's anemia. Identifiers: Orphanet 84, MedGen C0015625, MeSH D005199, MONDO:0019391.

Submission:

Labcorp Genetics (formerly Invitae), Labcorp
Classification: Uncertain significance for Fanconi anemia. Last evaluated: 2022-07-14. Review status: criteria provided, single submitter. Criteria: Invitae Variant Classification Sherloc (09022015). Collection method: clinical testing. Allele origin: germline.
Comment: In summary, the available evidence is currently insufficient to determine the role of this variant in disease. Therefore, it has been classified as a Variant of Uncertain Significance. Algorithms developed to predict the effect of missense changes on protein structure and function are either unavailable or do not agree on the potential impact of this missense change (SIFT: "Tolerated"; PolyPhen-2: "Probably Damaging"; Align-GVGD: "Class C0"). This variant has not been reported in the literature in individuals affected with SLX4-related conditions. This variant is not present in population databases (gnomAD no frequency). This sequence change replaces serine, which is neutral and polar, with arginine, which is basic and polar, at codon 264 of the SLX4 protein (p.Ser264Arg).

NM_032444.4(SLX4):c.792C>G (p.Ser264Arg)

Gene: SLX4 (SLX4 structure-specific endonuclease subunit; minus strand). Cytogenetic location: 16p13.3.
Variant type: single nucleotide variant.
Coding change: c.792C>G on transcript NM_032444.4 (MANE Select); coding-DNA position 792, C replaced by G.
Protein change: p.Ser264Arg; replaces serine 264 with arginine.
Molecular consequence: missense variant.
Genome position (GRCh38, 1-based): chr16:3,602,276, G>C on the plus strand (C>G on the coding strand, the complement: SLX4 is on the minus strand). VCF-style: chr16-3602276-G-C. GRCh37 (hg19) VCF-style: chr16-3652277-G-C.
Other names: short protein forms S264R.
Identifiers: ClinVar variation 1715437 (VCV001715437.5), dbSNP rs201383482, ClinGen allele CA394532482.